The following is an entry in ClinVar:

NM_001040142.2(SCN2A):c.1034+5G>A

Gene: SCN2A (sodium voltage-gated channel alpha subunit 2; plus strand). Cytogenetic location: 2q24.3.
Variant type: single nucleotide variant.
Coding change: c.1034+5G>A on transcript NM_001040142.2 (MANE Select); 5 bases into the intron after coding-DNA position 1034, G replaced by A.
Molecular consequence: intron variant.
Genome position (GRCh38, 1-based): chr2:165,312,093, G>A. VCF-style: chr2-165312093-G-A. GRCh37 (hg19) VCF-style: chr2-166168603-G-A.
Other names: c.1034+5G>A (NM_001040143.2, NM_001371246.1, NM_001371247.1 and 1 more transcripts).
Identifiers: ClinVar variation 4850096 (VCV004850096.1).

ClinVar aggregate classification (germline): Likely pathogenic (1 of 4 stars; one submission).

Conditions:
Developmental and epileptic encephalopathy, 11 (DEE11). Also called: Early infantile epileptic encephalopathy 11. Identifiers: Orphanet 1934, MedGen C3150987, MONDO:0013388, OMIM 613721.

Submission:

Institute for Clinical Genetics, University Hospital TU Dresden, University Hospital TU Dresden
Classification: Likely pathogenic for Developmental and epileptic encephalopathy, 11. Last evaluated: 2025-02-26. Review status: criteria provided, single submitter. Criteria: ACMG Guidelines, 2015. Collection method: clinical testing. Allele origin: de novo. Affected: yes.
Comment: This potential splice variant in the SCN2A gene (NM_001040142.2:c.1034+5G>A, p.?) leads to a base exchange in the immediate vicinity of the canonical splice donor site at the beginning of intron 8, which probably results in defective splicing of the mRNA. Bioinformatic prediction algorithms to assess the effect on splicing efficiency estimate the variant as relevant (SpliceAI-Δ: DL 0.82/-5bp, AL 0.72/-68bp, PMID: 30661751). Disruption of the canonical splice sites and consecutive exon skipping would most likely result in a reading frame shift and the termination of translation by a premature stop codon (SpliceVault, PMID: 36747048), so that the mRNA would be prematurely degraded by nonsense mediated mRNA decay (NMD) and no protein would be produced by the affected allele. However, an actual splicing effect has not yet been functionally investigated. This variant has been classified in the ClinVar database before and is not listed in the population database gnomAD v4.1.0. Another variant in the same splicing motif (c.1034+1G>A) and with comparable bioinformatic splice prediction was classified in the ClinVar database as probably pathogenic in an individual with developmental language delay and gait instability and was also reported to be de novo (ID: 1675803, personal correspondence with CeGaT GmbH Tübingen). According to the current ClinGen-VCEP specifications to the ACMG/AMP guidelines for the assessment of SCN2A variants, the criteria PS1_MOD, PM2_SUP, PM6 and PP3 are fulfilled, resulting in an assessment as a probable pathogenic variant (ACMG class 4).